The following is an entry in ClinVar:

ClinVar aggregate classification (germline): Uncertain significance (1 of 4 stars; one submission).

Conditions:
Kabuki syndrome. Also called: NIIKAWA-KUROKI SYNDROME; Kabuki make-up syndrome. Identifiers: Orphanet 2322, MedGen C0796004, MONDO:0016512.

gnomAD v4.1: 41 of 1,613,886 alleles (0.0025%); highest among the groups gnomAD compares: Non-Finnish European, 0.0034%; no homozygotes.

Submission:

Labcorp Genetics (formerly Invitae), Labcorp
Classification: Uncertain significance for Kabuki syndrome. Last evaluated: 2026-01-12. Review status: criteria provided, single submitter. Criteria: Invitae Variant Classification Sherloc (09022015). Collection method: clinical testing. Allele origin: germline.
Comment: This sequence change replaces glutamine, which is neutral and polar, with histidine, which is basic and polar, at codon 2553 of the KMT2D protein (p.Gln2553His). This variant is not present in population databases (gnomAD no frequency). This variant has not been reported in the literature in individuals affected with KMT2D-related conditions. Invitae Evidence Modeling of protein sequence and biophysical properties (such as structural, functional, and spatial information, amino acid conservation, physicochemical variation, residue mobility, and thermodynamic stability) indicates that this missense variant is not expected to disrupt KMT2D protein function with a negative predictive value of 95%. In summary, the available evidence is currently insufficient to determine the role of this variant in disease. Therefore, it has been classified as a Variant of Uncertain Significance.

NM_003482.4(KMT2D):c.7659G>T (p.Gln2553His)

Gene: KMT2D (lysine methyltransferase 2D; minus strand). Cytogenetic location: 12q13.12.
Variant type: single nucleotide variant.
Coding change: c.7659G>T on transcript NM_003482.4 (MANE Select); coding-DNA position 7659, G replaced by T.
Protein change: p.Gln2553His; replaces glutamine 2553 with histidine.
Molecular consequence: missense variant.
Genome position (GRCh38, 1-based): chr12:49,040,111, C>A on the plus strand (G>T on the coding strand, the complement: KMT2D is on the minus strand). VCF-style: chr12-49040111-C-A. GRCh37 (hg19) VCF-style: chr12-49433894-C-A.
Other names: short protein forms Q2553H.
Identifiers: ClinVar variation 4781032 (VCV004781032.1).